The following is an entry in ClinVar:

ClinVar aggregate classification (germline): Benign (1 of 4 stars; one submission).

Submission:

CeGaT Center for Human Genetics Tuebingen
Classification: Benign. Last evaluated: 2022-10-01. Review status: criteria provided, single submitter. Criteria: CeGaT Center For Human Genetics Tuebingen Variant Classification Criteria Version 2. Collection method: clinical testing. Allele origin: germline. Affected: yes. Observed: 1 variant allele.
Comment: HCN4: BS1, BS2

NC_000015.10:g.73377224GCTGTGATAGAG[1]

Genes: HCN4 (hyperpolarization activated cyclic nucleotide gated potassium channel 4; minus strand), LOC110121492 (VISTA enhancer hs2161; plus strand). Cytogenetic location: 15q24.1.
Variant type: Microsatellite.
Genome position: GRCh38 VCF-style: chr15-73377212-ACTGTGATAGAGG-A. GRCh37 (hg19) VCF-style: chr15-73669553-ACTGTGATAGAGG-A.
Identifiers: ClinVar variation 2645521 (VCV002645521.24), dbSNP rs1459877103, ClinGen allele CA619079128.
Genomic context (GRCh38, chr15:73,377,212, plus strand): 5'-GCTGTGACAGAGGCTGTGATAGATACTGTGACAGAGGCTGTGATAGAGACTGTAATACAG[ACTGTGATAGAGG>A]CTGTGATAGAGGCTGTGATAGAGACTGTGATAGAGGCTGTGATACAGACTGTGACAGAGG-3'